The following is an entry in ClinVar:

ClinVar aggregate classification (germline): Uncertain significance (1 of 4 stars; one submission).

Submission:

Labcorp Genetics (formerly Invitae), Labcorp
Classification: Uncertain significance. Last evaluated: 2024-06-24. Review status: criteria provided, single submitter. Criteria: Invitae Variant Classification Sherloc (09022015). Collection method: clinical testing. Allele origin: germline.
Comment: This sequence change replaces isoleucine, which is neutral and non-polar, with leucine, which is neutral and non-polar, at codon 62 of the SLC10A2 protein (p.Ile62Leu). This variant is not present in population databases (gnomAD no frequency). This variant has not been reported in the literature in individuals affected with SLC10A2-related conditions. Advanced modeling of protein sequence and biophysical properties (such as structural, functional, and spatial information, amino acid conservation, physicochemical variation, residue mobility, and thermodynamic stability) performed at Invitae indicates that this missense variant is not expected to disrupt SLC10A2 protein function with a negative predictive value of 80%. In summary, the available evidence is currently insufficient to determine the role of this variant in disease. Therefore, it has been classified as a Variant of Uncertain Significance.

NM_000452.3(SLC10A2):c.184A>T (p.Ile62Leu)

Gene: SLC10A2 (solute carrier family 10 member 2; minus strand). Cytogenetic location: 13q33.1.
Variant type: single nucleotide variant.
Coding change: c.184A>T on transcript NM_000452.3 (MANE Select); coding-DNA position 184, A replaced by T.
Protein change: p.Ile62Leu; replaces isoleucine 62 with leucine.
Molecular consequence: missense variant.
Genome position (GRCh38, 1-based): chr13:103,066,066, T>A on the plus strand (A>T on the coding strand, the complement: SLC10A2 is on the minus strand). VCF-style: chr13-103066066-T-A. GRCh37 (hg19) VCF-style: chr13-103718416-T-A.
Other names: short protein forms I62L.
Identifiers: ClinVar variation 3685071 (VCV003685071.2).